The following is an entry in ClinVar:

NM_001005373.4(LRSAM1):c.160G>A (p.Val54Ile)

Gene: LRSAM1 (leucine rich repeat and sterile alpha motif containing 1; plus strand). Cytogenetic location: 9q33.3.
Variant type: single nucleotide variant.
Coding change: c.160G>A on transcript NM_001005373.4 (MANE Select); coding-DNA position 160, G replaced by A.
Protein change: p.Val54Ile; replaces valine 54 with isoleucine.
Molecular consequence: missense variant. On other transcripts: 5 prime UTR variant (1), non-coding transcript variant (2).
Genome position (GRCh38, 1-based): chr9:127,455,606, G>A. VCF-style: chr9-127455606-G-A. GRCh37 (hg19) VCF-style: chr9-130217885-G-A.
Other names: c.160G>A, p.Val54Ile (NM_001005374.4, NM_001190723.3, NM_001384142.1 and 2 more transcripts); c.-625G>A (NM_001384144.1); c.160G>A (NM_138361.4); short protein forms V54I.
Identifiers: ClinVar variation 2145028 (VCV002145028.5), dbSNP rs1284718719, ClinGen allele CA374962979.

ClinVar aggregate classification (germline): Uncertain significance. Review status: criteria provided, multiple submitters, no conflicts (2 of 4 stars). 2 submissions from 2 submitters: Uncertain significance (2). Last evaluated 2024-08-11.

Conditions:
Inborn genetic diseases. Identifiers: MedGen C0950123, MeSH D030342.
Charcot-Marie-Tooth disease axonal type 2P. Also called: CHARCOT-MARIE-TOOTH NEUROPATHY, TYPE 2P; CHARCOT-MARIE-TOOTH DISEASE, AXONAL, TYPE 2G; CMT 2G; Charcot-Marie-Tooth Neuropathy Type 2G. Identifiers: Orphanet 300319, Orphanet 99941, MedGen C3280797, MONDO:0013753, OMIM 614436.

Allele frequency attached by ClinVar (database versions not stated): gnomAD exomes below 0.00001; TOPMed below 0.00001; gnomAD 0.00001.

Submissions (2):

Ambry Genetics
Classification: Uncertain significance for Inborn genetic diseases. Last evaluated: 2024-08-11. Review status: criteria provided, single submitter. Criteria: Ambry Variant Classification Scheme 2023. Collection method: clinical testing. Allele origin: germline.

Labcorp Genetics (formerly Invitae), Labcorp
Classification: Uncertain significance for Charcot-Marie-Tooth disease axonal type 2P. Last evaluated: 2022-06-19. Review status: criteria provided, single submitter. Criteria: Invitae Variant Classification Sherloc (09022015). Collection method: clinical testing. Allele origin: germline.
Comment: This variant has not been reported in the literature in individuals affected with LRSAM1-related conditions. This sequence change replaces valine, which is neutral and non-polar, with isoleucine, which is neutral and non-polar, at codon 54 of the LRSAM1 protein (p.Val54Ile). This variant is present in population databases (no rsID available, gnomAD 0.003%). Algorithms developed to predict the effect of missense changes on protein structure and function are either unavailable or do not agree on the potential impact of this missense change (SIFT: "Tolerated"; PolyPhen-2: "Possibly Damaging"; Align-GVGD: "Class C0"). In summary, the available evidence is currently insufficient to determine the role of this variant in disease. Therefore, it has been classified as a Variant of Uncertain Significance.